The following is an entry in ClinVar:

ClinVar aggregate classification (germline): Uncertain significance (1 of 4 stars; one submission).

Conditions:
Myofibrillar myopathy 4. Also called: Zaspopathy (type). Identifiers: Orphanet 98912, MedGen C4721886, MONDO:0012277, OMIM 609452.

Submission:

Labcorp Genetics (formerly Invitae), Labcorp
Classification: Uncertain significance for Myofibrillar myopathy 4. Last evaluated: 2022-04-21. Review status: criteria provided, single submitter. Criteria: Invitae Variant Classification Sherloc (09022015). Collection method: clinical testing. Allele origin: germline.
Comment: In summary, the available evidence is currently insufficient to determine the role of this variant in disease. Therefore, it has been classified as a Variant of Uncertain Significance. Experimental studies and prediction algorithms are not available or were not evaluated, and the functional significance of this variant is currently unknown. This variant has not been reported in the literature in individuals affected with LDB3-related conditions. This variant is not present in population databases (gnomAD no frequency). This sequence change replaces glutamic acid, which is acidic and polar, with aspartic acid, which is acidic and polar, at codon 677 of the LDB3 protein (p.Glu677Asp). The LDB3 gene has multiple clinically relevant transcripts. This variant occurs in alternate transcript NM_007078.3, and corresponds to NM_001080116.1:c.*26815G>T in the primary transcript.

NM_007078.3(LDB3):c.2031G>T (p.Glu677Asp)

Gene: LDB3 (LIM domain binding 3; plus strand). Cytogenetic location: 10q23.2.
Variant type: single nucleotide variant.
Coding change: c.2031G>T on transcript NM_007078.3 (MANE Select); coding-DNA position 2031, G replaced by T.
Protein change: p.Glu677Asp; replaces glutamic acid 677 with aspartic acid.
Molecular consequence: missense variant.
Genome position (GRCh38, 1-based): chr10:86,726,189, G>T. VCF-style: chr10-86726189-G-T. GRCh37 (hg19) VCF-style: chr10-88485946-G-T.
Other names: c.1842G>T, p.Glu614Asp (NM_001368065.1, NM_001368064.1); c.1890G>T, p.Glu630Asp (NM_001368066.1); c.1701G>T, p.Glu567Asp (NM_001080114.2); c.2046G>T, p.Glu682Asp (NM_001171610.2); short protein forms E630D, E682D, E567D, E614D, E677D.
Identifiers: ClinVar variation 2093268 (VCV002093268.4), dbSNP rs985626593, ClinGen allele CA211213908.